The following is an entry in ClinVar:

NM_000318.3(PEX2):c.373C>T (p.Arg125Ter)

Gene: PEX2 (peroxisomal biogenesis factor 2; minus strand). Cytogenetic location: 8q21.13.
Variant type: single nucleotide variant.
Coding change: c.373C>T on transcript NM_000318.3 (MANE Select); coding-DNA position 373, C replaced by T.
Protein change: p.Arg125Ter; replaces arginine 125 with a stop codon.
Molecular consequence: nonsense.
Genome position (GRCh38, 1-based): chr8:76,983,806, G>A on the plus strand (C>T on the coding strand, the complement: PEX2 is on the minus strand). VCF-style: chr8-76983806-G-A. GRCh37 (hg19) VCF-style: chr8-77896042-G-A.
Other names: c.373C>T, p.Arg125Ter (NM_001079867.2, NM_001172086.2, NM_001172087.2); short protein forms R125*.
Identifiers: ClinVar variation 549898 (VCV000549898.27), dbSNP rs61752124, ClinGen allele CA4788719.

ClinVar aggregate classification (germline): Pathogenic/Likely pathogenic. Review status: criteria provided, multiple submitters, no conflicts (2 of 4 stars). 13 submissions from 13 submitters: Pathogenic (10); Likely pathogenic (1). 2 of the submissions do not count toward it. Last evaluated 2026-03-03.

Conditions:
Peroxisome biogenesis disorder 5B (PBD5B). Identifiers: Orphanet 44, MedGen C3542026, MONDO:0013933, OMIM 614867.
Peroxisome biogenesis disorder 5A (Zellweger) (PBD5A). Identifiers: Orphanet 912, MedGen C3553940, MONDO:0013932, OMIM 614866.
Peroxisome biogenesis disorder. Identifiers: Orphanet 79189, MedGen C1832200, MONDO:0019234. Disease mechanism: loss of function.
PEX2-related disorder. Also called: PEX2-related condition.
Zellweger spectrum disorders (ZS). Also called: Zellweger Spectrum Disorder; Zellweger Spectrum; Zellweger Spectrum Disorder (ZSD); Zellweger syndrome. Identifiers: Orphanet 912, MedGen C0043459, MONDO:0019609.

Allele frequency attached by ClinVar (database versions not stated): gnomAD 0.00001; TOPMed 0.00001.

Submissions (13):

PreventionGenetics, part of Exact Sciences
Classification: Pathogenic for PEX2-related condition. Last evaluated: 2026-03-03. Review status: criteria provided, single submitter. Criteria: ACMG Guidelines, 2015. Collection method: clinical testing. Allele origin: germline.
Comment: The PEX2 c.373C>T variant is predicted to result in premature protein termination (p.Arg125*). This variant has been reported in the homozygous and compound heterozygous states in individuals with peroxisome biogenesis disorder (Shimozawa et al. 1998. PubMed ID: 9452066; Shimozawa et al. 1999. PubMed ID: 10528859; Dranchak et al. 2011. PubMed ID: 1465523). This variant is reported in 0.011% of alleles in individuals of East Asian descent in gnomAD. Nonsense variants in PEX2 are expected to be pathogenic. This variant is interpreted as pathogenic.

Labcorp Genetics (formerly Invitae), Labcorp
Classification: Pathogenic for Peroxisome biogenesis disorder 5A (Zellweger). Last evaluated: 2026-02-04. Review status: criteria provided, single submitter. Criteria: Invitae Variant Classification Sherloc (09022015). Collection method: clinical testing. Allele origin: germline.
Comment: This sequence change creates a premature translational stop signal (p.Arg125*) in the PEX2 gene. While this is not anticipated to result in nonsense mediated decay, it is expected to disrupt the last 181 amino acid(s) of the PEX2 protein. This variant is present in population databases (rs61752124, gnomAD 0.01%). This premature translational stop signal has been observed in individual(s) with Zellweger syndrome (PMID: 9452066, 21465523). ClinVar contains an entry for this variant (Variation ID: 549898). Algorithms developed to predict the effect of variants on gene product structure and function are not available or were not evaluated for this variant. Experimental studies have shown that this premature translational stop signal affects PEX2 function (PMID: 10528859). This variant disrupts the C-terminus of the PEX2 protein. Other variant(s) that disrupt this region (p.Arg184Valfs*8, p.Trp223* p.Phe278Leufs*3, p.Ser289Lysfs*36) have been observed in individuals with PEX2-related conditions (PMID: 10652207, 14630978, 17041890). This suggests that this may be a clinically significant region of the protein. For these reasons, this variant has been classified as Pathogenic.

Natera, Inc.
Classification: Pathogenic for Zellweger syndrome. Last evaluated: 2026-01-23. Review status: criteria provided, single submitter. Criteria: Natera Variant Classification Schema (03/2026). Collection method: clinical testing. Allele origin: germline.
Comment: The c.373C>T variant in PEX2 is a nonsense variant predicted to introduce a stop codon at amino acid 125. This variant is expected to result in nonsense mediated decay, truncation, or a dysfunctional protein product. This variant is rare in the general population with a frequency below the threshold expected for the associated phenotype(s). This variant has been observed in one or more individuals affected with the associated recessive disease, as either homozygous or compound heterozygous with a second variant (PMID: 15542397, 9452066). Given the available evidence, this variant is classified as Pathogenic.

3billion
Classification: Pathogenic for Peroxisome biogenesis disorder 5A (Zellweger). Last evaluated: 2025-08-27. Review status: criteria provided, single submitter. Criteria: ACMG Guidelines, 2015. Collection method: clinical testing. Allele origin: germline. Affected: yes.
Comment: The variant is observed at an extremely low frequency in the gnomAD v4.1.0 dataset (total allele frequency: 0.001%). Predicted Consequence/Location: Stop-gained (nonsense): predicted to result in a loss or disruption of normal protein function through protein truncation. The predicted truncated protein may be shortened by more than 10%. The variant has been reported at least twice as pathogenic with clinical assertions and evidence for the classification (ClinVar ID: VCV000549898 /PMID: 9452066). Therefore, this variant is classified as Pathogenic according to the recommendation of ACMG/AMP guideline.

Department of Human Genetics, Hannover Medical School
Classification: Pathogenic for Peroxisome biogenesis disorder 5A (Zellweger). Last evaluated: 2025-04-01. Review status: criteria provided, single submitter. Criteria: ACMG Guidelines, 2015. Collection method: clinical testing. Allele origin: germline. Inheritance: Autosomal recessive inheritance. Affected: yes.
Comment: ACMG: PVS1_Strong, PS3_Supporting, PM2_Supporting, PM3_Strong

GeneDx
Classification: Pathogenic. Last evaluated: 2025-01-14. Review status: criteria provided, single submitter. Criteria: GeneDx Variant Classification Process June 2021. Collection method: clinical testing. Allele origin: germline. Affected: yes.
Comment: In vitro studies demonstrate the p.R125* variant has a deleterious effect on protein function with severely reduced PEX2 activity (PMID: 10528859); Not observed at significant frequency in large population cohorts (gnomAD); Nonsense variant predicted to result in protein truncation, as the last 181 amino acid(s) are lost, and other loss-of-function variants have been reported downstream in HGMD; This variant is associated with the following publications: (PMID: 17045664, 11330042, 21465523, 9375798, Vo2021[abstract], Ranganath2022[abstract], 21031596, 15542397, 9452066, 10528859, 31964843, 36198807)

Fulgent Genetics
Classification: Pathogenic for Peroxisome biogenesis disorder 5A (Zellweger); Peroxisome biogenesis disorder 5B. Last evaluated: 2024-04-18. Review status: criteria provided, single submitter. Criteria: ACMG Guidelines, 2015. Collection method: clinical testing. Allele origin: germline.

Baylor Genetics
Classification: Pathogenic for Peroxisome biogenesis disorder 5A (Zellweger). Last evaluated: 2024-03-20. Review status: criteria provided, single submitter. Criteria: ACMG Guidelines, 2015. Collection method: clinical testing. Allele origin: unknown.

Blueprint Genetics
Classification: Pathogenic for PEX2-related disorders. Last evaluated: 2022-12-28. Review status: criteria provided, single submitter. Criteria: ACMG Guidelines, 2015. Collection method: clinical testing. Allele origin: germline. Affected: yes. Observed: 4 variant alleles.

Women's Health and Genetics/Laboratory Corporation of America, LabCorp
Classification: Pathogenic for Peroxisome biogenesis disorders, Zellweger syndrome spectrum. Last evaluated: 2018-06-04. Review status: criteria provided, single submitter. Criteria: LabCorp Variant Classification Summary - May 2015. Collection method: clinical testing. Allele origin: germline.
Comment: Variant summary: PEX2 c.373C>T (p.Arg125X) results in a premature termination codon, predicted to cause a truncation of the encoded protein or absence of the protein due to nonsense mediated decay, which are commonly known mechanisms for disease. The variant allele was found at a frequency of 8.2e-06 in 121346 control chromosomes. c.373C>T has been reported in the literature in individuals with biochemically confirmed Zellweger Syndrome . These data indicate that the variant may be associated with disease. At least one publication reports experimental evidence evaluating an impact on protein function. The most pronounced variant effect results in <10% of normal activity. No clinical diagnostic laboratories have submitted clinical-significance assessments for this variant to ClinVar after 2014. Based on the evidence outlined above, the variant was classified as pathogenic.

Juno Genomics, Hangzhou Juno Genomics, Inc
Classification: Likely pathogenic for Peroxisome biogenesis disorder 5A (Zellweger); Peroxisome biogenesis disorder 5B. Review status: criteria provided, single submitter. Criteria: ACMG Guidelines, 2015. Collection method: clinical testing. Allele origin: germline.
Comment: Absent from controls (or at extremely low frequency if recessive) in Genome Aggregation Database.;Null variant in a gene where loss of function (LOF) is a known mechanism of disease.;For recessive disorders, detected in trans with a pathogenic variant.;Patient's phenotype or family history is highly specific for a disease with a single genetic etiology.

Counsyl
Classification: Likely pathogenic for Peroxisome biogenesis disorder 5A (Zellweger); Peroxisome biogenesis disorder 5B. Last evaluated: 2017-08-01. Review status: no assertion criteria provided. Collection method: clinical testing. Allele origin: unknown. Not counted in ClinVar's aggregate classification.

Center of Excellence for Medical Genomics, Chulalongkorn University
Classification: Pathogenic for Peroxisome biogenesis disorder 5B. Last evaluated: 2002-09-08. Review status: no assertion criteria provided. Collection method: research. Allele origin: unknown. Affected: yes. Not counted in ClinVar's aggregate classification.

Literature cited by the submitters: PubMed 9452066 (cited by 4 submitters); PubMed 21465523 (cited by 3 submitters); PubMed 10528859 (cited by 3 submitters); PubMed 10652207 (cited by Labcorp Genetics (formerly Invitae), Labcorp); PubMed 14630978 (cited by Labcorp Genetics (formerly Invitae), Labcorp); PubMed 17041890 (cited by Labcorp Genetics (formerly Invitae), Labcorp); PubMed 15542397 (cited by 3 submitters).